The following is an entry in ClinVar:

NM_014865.4(NCAPD2):c.3531C>T (p.Pro1177=)

Gene: NCAPD2 (non-SMC condensin I complex subunit D2; plus strand). Cytogenetic location: 12p13.31.
Variant type: single nucleotide variant.
Coding change: c.3531C>T on transcript NM_014865.4 (MANE Select); coding-DNA position 3531, C replaced by T.
Protein change: p.Pro1177=; no amino-acid change (proline 1177 retained).
Molecular consequence: synonymous variant.
Genome position (GRCh38, 1-based): chr12:6,528,998, C>T. VCF-style: chr12-6528998-C-T. GRCh37 (hg19) VCF-style: chr12-6638164-C-T.
Other names: c.3531C>T (NM_014865.3).
Identifiers: ClinVar variation 1879224 (VCV001879224.30), dbSNP rs371282922, ClinGen allele CA6409098.

ClinVar aggregate classification (germline): Likely benign. Review status: criteria provided, single submitter (1 of 4 stars). 2 submissions from 2 submitters: Likely benign (1). 1 of the submissions does not count toward it. Last evaluated 2022-10-01.

Conditions:
NCAPD2-related disorder. Also called: NCAPD2-related condition.

Allele frequency attached by ClinVar (database versions not stated): gnomAD 0.00001; TOPMed 0.00002; gnomAD exomes 0.00003; ExAC 0.00006; ESP Exome Variant Server 0.00008; 1000 Genomes Project 30x 0.00016; 1000 Genomes Project 0.00020.
gnomAD v4.1: 54 of 1,613,506 alleles (0.0033%); highest among the groups gnomAD compares: Middle Eastern, 0.2%; no homozygotes.

Submissions (2):

CeGaT Center for Human Genetics Tuebingen
Classification: Likely benign. Last evaluated: 2022-10-01. Review status: criteria provided, single submitter. Criteria: CeGaT Center For Human Genetics Tuebingen Variant Classification Criteria Version 2. Collection method: clinical testing. Allele origin: germline. Affected: yes. Observed: 1 variant allele.
Comment: NCAPD2: BP4, BP7

PreventionGenetics, part of Exact Sciences
Classification: Likely benign for NCAPD2-related condition. Last evaluated: 2019-04-01. Review status: no assertion criteria provided. Collection method: clinical testing. Allele origin: germline. Not counted in ClinVar's aggregate classification.
Comment: This variant is classified as likely benign based on ACMG/AMP sequence variant interpretation guidelines (Richards et al. 2015 PMID: 25741868, with internal and published modifications).